The following is an entry in ClinVar:

ClinVar aggregate classification (germline): Pathogenic. Review status: reviewed by expert panel (3 of 4 stars). 3 submissions from 3 submitters: Pathogenic (1). 2 of the submissions do not count toward it. Last evaluated 2025-04-07.

Conditions:
Mucopolysaccharidosis type 1. Also called: Mucopolysaccharidosis Type I; IDUA deficiency; MPS I. Identifiers: Orphanet 579, MedGen C0023786, MONDO:0001586.

Submissions (3):

ClinGen Lysosomal Storage Disorder Variant Curation Expert Panel
Classification: Pathogenic for Mucopolysaccharidosis type 1. Last evaluated: 2025-04-07. Review status: reviewed by expert panel. Criteria: ClinGen LSD ACMG Specifications IDUA V1.0.0. Collection method: curation. Allele origin: germline. Inheritance: Autosomal recessive inheritance.
Comment: The NM_000203.5:c.1960T>C in IDUA is a stop-loss variant, predicted to alter the stop codon (p.Ter654Arg). Sequence analysis of cDNA (by 3'RACE) showed that the variant results in an increase in the length of the protein by 38 amino acids (PMID: 29282708) (PM4). Seven patients have been reported with the variant, including patients with clinical features consistent with MPS 1, and deficient IDUA activity (PMID: 21394825, 29282708) (PP4). Of these patients, five are compound heterozygous for the variant and another variant in IDUA that has been classified as pathogenic by the ClinGen LD VCEP, including c.935G>A (p.Trp312Ter), phase unconfirmed (0.5 points) (PMID: 29282708), c.1138C>T (p.Gln380Ter), confirmed in trans (1 point) (PMID: 29282708), 46_57del12, phase not confirmed (0.5 points) (PMID: 21394825), c.208C>T (p.Gln70Ter), phase not confirmed (0.5 points) (PMID: 21394825), and c.266G>A (p.Arg89Gln) (PMID: 29282708), phase not confirmed (0.5 points). Two patients have been reported to be homozygous for the variant (2 x 0.5 points) (PMID: 29282708). Total 4 points (PM3_VeryStrong). The variant is absent in gnomAD v4.1.0. (PM2_Supporting). When expressed in COS-7 cells, the variant resulted in 6% wild type activity, and Western blot pattern was abnormal (PMID: 29282708). The activity the LD VCEP's threshold for PS3_Supporting (<2%) and therefore, PS3_Supporting was not applied. Other IDUA stop loss variants have been reported in patients with MPS 1 including c.1960T>G (p.Ter654Gly) (Tieu et al, 1995, PMID: 7550232), and c.1960T>A (p.Ter654Arg) (Thomas et al, PMID: 33301762) and c.1962A>T (p.Ter654Cys) (Bach et al, 1993, PMID: 8328452). The classification of c.1960T>C (p.Ter654Arg) will be used in the assessment of those other variants. Therefore, PM5 was not applied here to avoid circular logic. There is a ClinVar entry for this variant (Variation ID: 960079) In summary, this variant meets the criteria to be classified as pathogenic for mucopolysaccharidosis type 1. IDUA-specific ACMG/AMP criteria applied, as specified by the ClinGen Lysosomal Diseases Variant Curation Expert Panel (Specifications Version 1.0.0): PM3_VeryStrong, PM1, PM4, PP4, PM2_Supporting. (Classification approved by the ClinGen Lysosomal Diseases Variant Curation Expert Panel on April 7, 2025)

Labcorp Genetics (formerly Invitae), Labcorp
Classification: Pathogenic for Mucopolysaccharidosis type 1. Last evaluated: 2019-09-30. Review status: criteria provided, single submitter. Criteria: Invitae Variant Classification Sherloc (09022015). Collection method: clinical testing. Allele origin: germline. Not counted in ClinVar's aggregate classification.
Comment: This variant has been reported to affect IDUA protein function (PMID: 29282708). This sequence change disrupts the translational stop signal of the IDUA mRNA. It is expected to extend the length of the IDUA protein by 55 additional amino acid residues. This variant is not present in population databases (ExAC no frequency). This variant has been observed in several individuals affected with IDUA-related conditions (PMID: 21394825, 29282708). For these reasons, this variant has been classified as Pathogenic.

GeneReviews
No classification provided. Condition: Mucopolysaccharidosis type 1. Review status: no classification provided. Collection method: literature only. Allele origin: germline. Not counted in ClinVar's aggregate classification.
Comment: Variant causes attenuated MPS I; predict extension of α-L-iduronidase at the carboxyl end that may change conformation and/or stability of enzyme.

Literature cited by the submitters: PubMed 29282708 (cited by Labcorp Genetics (formerly Invitae), Labcorp); PubMed 21394825 (cited by Labcorp Genetics (formerly Invitae), Labcorp); NCBI Bookshelf NBK1162 (cited by GeneReviews).

NM_000203.5(IDUA):c.1960T>C (p.Ter654Arg)

Gene: IDUA (alpha-L-iduronidase; plus strand). Cytogenetic location: 4p16.3.
Variant type: single nucleotide variant.
Coding change: c.1960T>C on transcript NM_000203.5 (MANE Select); coding-DNA position 1960, T replaced by C.
Protein change: p.Ter654Arg.
Molecular consequence: stop lost. On other transcripts: non-coding transcript variant (1).
Genome position (GRCh38, 1-based): chr4:1,004,391, T>C. VCF-style: chr4-1004391-T-C. GRCh37 (hg19) VCF-style: chr4-998179-T-C.
Other names: *522R; *654R; NM_000203.5(IDUA):c.1960T>C; p.Ter654Arg; c.1564T>C, p.Ter522Arg (NM_001363576.1).
Identifiers: ClinVar variation 960079 (VCV000960079.13), dbSNP rs387906504, ClinGen allele CA355966127.